The following is an entry in ClinVar:

ClinVar aggregate classification (germline): Uncertain significance. Review status: criteria provided, multiple submitters, no conflicts (2 of 4 stars). 2 submissions from 2 submitters: Uncertain significance (2). Last evaluated 2023-06-01.

Conditions:
Inborn genetic diseases. Identifiers: MedGen C0950123, MeSH D030342.

Allele frequency attached by ClinVar (database versions not stated): gnomAD exomes 0.00001.
gnomAD v4.1: 16 of 1,613,680 alleles (0.00099%); highest among the groups gnomAD compares: Non-Finnish European, 0.0014%; no homozygotes.

Submissions (2):

Ambry Genetics
Classification: Uncertain significance for Inborn genetic diseases. Last evaluated: 2023-06-01. Review status: criteria provided, single submitter. Criteria: Ambry Variant Classification Scheme 2023. Collection method: clinical testing. Allele origin: germline.

Labcorp Genetics (formerly Invitae), Labcorp
Classification: Uncertain significance. Last evaluated: 2021-10-03. Review status: criteria provided, single submitter. Criteria: Invitae Variant Classification Sherloc (09022015). Collection method: clinical testing. Allele origin: germline.
Comment: This sequence change replaces proline with leucine at codon 454 of the LTBP4 protein (p.Pro454Leu). The proline residue is weakly conserved and there is a moderate physicochemical difference between proline and leucine. This variant is not present in population databases (ExAC no frequency). This variant has not been reported in the literature in individuals affected with LTBP4-related conditions. Experimental studies and prediction algorithms are not available or were not evaluated, and the functional significance of this variant is currently unknown. In summary, the available evidence is currently insufficient to determine the role of this variant in disease. Therefore, it has been classified as a Variant of Uncertain Significance.

NM_001042545.2(LTBP4):c.1271C>T (p.Pro424Leu)

Gene: LTBP4 (latent transforming growth factor beta binding protein 4; plus strand). Cytogenetic location: 19q13.2.
Variant type: single nucleotide variant.
Coding change: c.1271C>T on transcript NM_001042545.2 (MANE Select); coding-DNA position 1271, C replaced by T.
Protein change: p.Pro424Leu; replaces proline 424 with leucine.
Molecular consequence: missense variant.
Genome position (GRCh38, 1-based): chr19:40,608,334, C>T. VCF-style: chr19-40608334-C-T. GRCh37 (hg19) VCF-style: chr19-41114240-C-T.
Other names: c.1472C>T, p.Pro491Leu (NM_001042544.1); c.1361C>T, p.Pro454Leu (NM_003573.2); short protein forms P424L, P454L, P491L.
Identifiers: ClinVar variation 1416808 (VCV001416808.4), dbSNP rs2146024967, ClinGen allele CA405936159.